The following is an entry in ClinVar:

ClinVar aggregate classification (germline): Conflicting classifications of pathogenicity. Review status: criteria provided, conflicting classifications (1 of 4 stars). 5 submissions from 5 submitters: Pathogenic (1); Likely pathogenic (3); Uncertain significance (1). Last evaluated 2025-01-10.

Conditions:
Cardiovascular phenotype. Identifiers: MedGen CN230736.
Brittle cornea syndrome 2 (BCS2). Identifiers: Orphanet 90354, MedGen C3280011, MONDO:0013605, OMIM 614170.

Allele frequency attached by ClinVar (database versions not stated): ExAC 0.00002; gnomAD exomes 0.00002; TOPMed 0.00005.

Submissions (5):

Revvity Omics, Revvity
Classification: Likely pathogenic for Brittle cornea syndrome 2. Last evaluated: 2025-01-10. Review status: criteria provided, single submitter. Criteria: ACMG Guidelines, 2015. Collection method: clinical testing. Allele origin: germline.

Women's Health and Genetics/Laboratory Corporation of America, LabCorp
Classification: Likely pathogenic for Brittle cornea syndrome 2. Last evaluated: 2024-11-20. Review status: criteria provided, single submitter. Criteria: LabCorp Variant Classification Summary - May 2015. Collection method: clinical testing. Allele origin: germline.
Comment: Variant summary: PRDM5 c.247C>T (p.Arg83Cys) results in a non-conservative amino acid change in the encoded protein sequence. Four of five in-silico tools predict a damaging effect of the variant on protein function. The variant allele was found at a frequency of 1.6e-05 in 251280 control chromosomes (gnomAD). c.247C>T has been reported in the literature in individuals affected with Brittle cornea syndrome 2 (Porter_2015, Dhooge_2021). These data indicate that the variant may be associated with disease. At least one publication reports experimental evidence evaluating an impact on protein function, finding that the variant disrupts interaction with multiple PRDM5-interaction partners (Porter_2015). The following publications have been ascertained in the context of this evaluation (PMID: 26395458, 33739556). ClinVar contains an entry for this variant (Variation ID: 981044). Based on the evidence outlined above, the variant was classified as likely pathogenic.

GeneDx
Classification: Likely pathogenic. Last evaluated: 2023-12-01. Review status: criteria provided, single submitter. Criteria: GeneDx Variant Classification Process June 2021. Collection method: clinical testing. Allele origin: germline. Affected: yes.
Comment: Published functional studies demonstrate a damaging effect on protein function (PMID: 26395458); In silico analysis supports that this missense variant has a deleterious effect on protein structure/function; Not observed at significant frequency in large population cohorts (gnomAD); This variant is associated with the following publications: (PMID: 37710225, 33739556, 26395458)

Ambry Genetics
Classification: Uncertain significance for Cardiovascular phenotype. Last evaluated: 2022-11-04. Review status: criteria provided, single submitter. Criteria: Ambry Variant Classification Scheme 2023. Collection method: clinical testing. Allele origin: germline.
Comment: The p.R83C variant (also known as c.247C>T), located in coding exon 3 of the PRDM5 gene, results from a C to T substitution at nucleotide position 247. The arginine at codon 83 is replaced by cysteine, an amino acid with highly dissimilar properties. This alteration has been reported in a homozygous state in a subject with features of brittle cornea syndrome (Dhooge T et al. Hum Mutat, 2021 06;42:711-730). This alteration has also been reported in a brittle cornea syndrome cohort (Porter LF et al. Hum Mol Genet, 2015 Dec;24:6565-79). This amino acid position is highly conserved in available vertebrate species. In addition, this alteration is predicted to be deleterious by in silico analysis. Since supporting evidence is limited at this time, the clinical significance of this alteration remains unclear.

Center for Medical Genetics Ghent, University of Ghent
Classification: Pathogenic for Brittle cornea syndrome 2. Last evaluated: 2020-08-01. Review status: criteria provided, single submitter. Criteria: ACMG Guidelines, 2015. Collection method: clinical testing. Allele origin: germline. Inheritance: Autosomal recessive inheritance. Affected: yes. Observed: 2 variant alleles, 2 homozygotes.

Literature cited by the submitters: PubMed 33739556 (cited by 3 submitters); PubMed 26395458 (cited by Women's Health and Genetics/Laboratory Corporation of America, LabCorp and Ambry Genetics).

NM_018699.4(PRDM5):c.247C>T (p.Arg83Cys)

Gene: PRDM5 (PR/SET domain 5; minus strand). Cytogenetic location: 4q27.
Variant type: single nucleotide variant.
Coding change: c.247C>T on transcript NM_018699.4 (MANE Select); coding-DNA position 247, C replaced by T.
Protein change: p.Arg83Cys; replaces arginine 83 with cysteine.
Molecular consequence: missense variant.
Genome position (GRCh38, 1-based): chr4:120,853,471, G>A on the plus strand (C>T on the coding strand, the complement: PRDM5 is on the minus strand). VCF-style: chr4-120853471-G-A. GRCh37 (hg19) VCF-style: chr4-121774626-G-A.
Other names: c.247C>T (NM_018699.2, NM_018699.3); c.247C>T, p.Arg83Cys (NM_001300823.2, NM_001300824.2, NM_001379104.1 and 1 more transcripts); short protein forms R83C.
Identifiers: ClinVar variation 981044 (VCV000981044.6), dbSNP rs761027478, ClinGen allele CA3061448.